The following is an entry in ClinVar:

NM_022124.6(CDH23):c.2540C>A (p.Pro847His)

Gene: CDH23 (cadherin related 23; plus strand). Cytogenetic location: 10q22.1.
Variant type: single nucleotide variant.
Coding change: c.2540C>A on transcript NM_022124.6 (MANE Select); coding-DNA position 2540, C replaced by A.
Protein change: p.Pro847His; replaces proline 847 with histidine.
Molecular consequence: missense variant.
Genome position (GRCh38, 1-based): chr10:71,702,164, C>A. VCF-style: chr10-71702164-C-A. GRCh37 (hg19) VCF-style: chr10-73461921-C-A.
Other names: c.2540C>A, p.Pro847His (NM_001171930.2, NM_001171931.2); short protein forms P847H.
Identifiers: ClinVar variation 2009817 (VCV002009817.4), dbSNP rs2494047851, ClinGen allele CA377137741.

ClinVar aggregate classification (germline): Uncertain significance (1 of 4 stars; one submission).

Submission:

Labcorp Genetics (formerly Invitae), Labcorp
Classification: Uncertain significance. Last evaluated: 2025-03-17. Review status: criteria provided, single submitter. Criteria: Invitae Variant Classification Sherloc (09022015). Collection method: clinical testing. Allele origin: germline.
Comment: This sequence change replaces proline, which is neutral and non-polar, with histidine, which is basic and polar, at codon 847 of the CDH23 protein (p.Pro847His). This variant is not present in population databases (gnomAD no frequency). This variant has not been reported in the literature in individuals affected with CDH23-related conditions. ClinVar contains an entry for this variant (Variation ID: 2009817). Invitae Evidence Modeling of protein sequence and biophysical properties (such as structural, functional, and spatial information, amino acid conservation, physicochemical variation, residue mobility, and thermodynamic stability) has been performed for this missense variant. However, the output from this modeling did not meet the statistical confidence thresholds required to predict the impact of this variant on CDH23 protein function. In summary, the available evidence is currently insufficient to determine the role of this variant in disease. Therefore, it has been classified as a Variant of Uncertain Significance.